The following is an entry in ClinVar:

NM_000217.3(KCNA1):c.1046C>A (p.Ala349Glu)

Gene: KCNA1 (potassium voltage-gated channel subfamily A member 1; plus strand). Cytogenetic location: 12p13.32.
Variant type: single nucleotide variant.
Coding change: c.1046C>A on transcript NM_000217.3 (MANE Select); coding-DNA position 1046, C replaced by A.
Protein change: p.Ala349Glu; replaces alanine 349 with glutamic acid.
Molecular consequence: missense variant.
Genome position (GRCh38, 1-based): chr12:4,912,424, C>A. VCF-style: chr12-4912424-C-A. GRCh37 (hg19) VCF-style: chr12-5021590-C-A.
Other names: short protein forms A349E.
Identifiers: ClinVar variation 1416306 (VCV001416306.6), dbSNP rs1361446640, ClinGen allele CA383455913.

ClinVar aggregate classification (germline): Uncertain significance (1 of 4 stars; one submission).

Conditions:
Episodic ataxia type 1 (EA1). Also called: MYOKYMIA WITH PERIODIC ATAXIA; PAROXYSMAL ATAXIA WITH NEUROMYOTONIA, HEREDITARY; ATAXIA, EPISODIC, WITH MYOKYMIA; Episodic ataxia/myokymia syndrome. Identifiers: Orphanet 37612, Orphanet 972, MedGen C1719788, MONDO:0008047, OMIM 160120.

Submission:

Labcorp Genetics (formerly Invitae), Labcorp
Classification: Uncertain significance for Episodic ataxia type 1. Last evaluated: 2021-09-15. Review status: criteria provided, single submitter. Criteria: Invitae Variant Classification Sherloc (09022015). Collection method: clinical testing. Allele origin: germline.
Comment: In summary, the available evidence is currently insufficient to determine the role of this variant in disease. Therefore, it has been classified as a Variant of Uncertain Significance. Algorithms developed to predict the effect of missense changes on protein structure and function are either unavailable or do not agree on the potential impact of this missense change (SIFT: "Deleterious"; PolyPhen-2: "Probably Damaging"; Align-GVGD: "Class C15"). This variant has not been reported in the literature in individuals affected with KCNA1-related conditions. This variant is not present in population databases (ExAC no frequency). This sequence change replaces alanine with glutamic acid at codon 349 of the KCNA1 protein (p.Ala349Glu). The alanine residue is highly conserved and there is a moderate physicochemical difference between alanine and glutamic acid.